The following is an entry in ClinVar:

NM_018117.12(WDR11):c.1542C>T (p.His514=)

Gene: WDR11 (WD repeat domain 11; plus strand). Cytogenetic location: 10q26.12.
Variant type: single nucleotide variant.
Coding change: c.1542C>T on transcript NM_018117.12 (MANE Select); coding-DNA position 1542, C replaced by T.
Protein change: p.His514=; no amino-acid change (histidine 514 retained).
Molecular consequence: synonymous variant.
Genome position (GRCh38, 1-based): chr10:120,873,909, C>T. VCF-style: chr10-120873909-C-T. GRCh37 (hg19) VCF-style: chr10-122633421-C-T.
Identifiers: ClinVar variation 1259314 (VCV001259314.11), dbSNP rs12355108, ClinGen allele CA5719747.

ClinVar aggregate classification (germline): Benign. Review status: criteria provided, multiple submitters, no conflicts (2 of 4 stars). 3 submissions from 3 submitters: Benign (3). Last evaluated 2026-01-12.

Allele frequency attached by ClinVar (database versions not stated): 1000 Genomes Project 30x 0.00671; 1000 Genomes Project 0.00679; TOPMed 0.01126; gnomAD 0.01316 and 0.01329; ESP Exome Variant Server 0.01453; gnomAD exomes 0.01536 and 0.01817; ExAC 0.01558.
gnomAD v4.1: 28,464 of 1,610,882 alleles (1.8%); highest among the groups gnomAD compares: Non-Finnish European, 1.9%; 336 homozygotes.

Submissions (3):

Labcorp Genetics (formerly Invitae), Labcorp
Classification: Benign. Last evaluated: 2026-01-12. Review status: criteria provided, single submitter. Criteria: Invitae Variant Classification Sherloc (09022015). Collection method: clinical testing. Allele origin: germline.

GeneDx
Classification: Benign. Last evaluated: 2020-03-20. Review status: criteria provided, single submitter. Criteria: GeneDx Variant Classification Process June 2021. Collection method: clinical testing. Allele origin: germline. Affected: yes.
Comment: This variant is associated with the following publications: (PMID: 20887964)

Breakthrough Genomics
Classification: Benign. Review status: criteria provided, single submitter. Criteria: ACMG Guidelines, 2015. Collection method: not provided. Allele origin: germline. Inheritance: Autosomal dominant inheritance. Affected: yes.